The following is an entry in ClinVar:

ClinVar aggregate classification (germline): Uncertain significance (1 of 4 stars; one submission).

Conditions:
Hereditary cancer-predisposing syndrome. Also called: Hereditary Cancer Syndrome; Neoplastic Syndromes, Hereditary; Tumor predisposition; Hereditary neoplastic syndrome. Identifiers: Orphanet 140162, MedGen C0027672, MeSH D009386, MONDO:0015356.

Submission:

Color Diagnostics, LLC DBA Color Health
Classification: Uncertain significance for Hereditary cancer-predisposing syndrome. Last evaluated: 2023-12-05. Review status: criteria provided, single submitter. Criteria: ACMG Guidelines, 2015. Collection method: clinical testing. Allele origin: germline.
Comment: This missense variant replaces alanine with valine at codon 362 of the BRIP1 protein. Computational prediction is inconclusive regarding the impact of this variant on protein structure and function (internally defined REVEL score threshold 0.5 < inconclusive < 0.7, PMID: 27666373). To our knowledge, functional studies have not been reported for this variant. This variant has not been reported in individuals affected with BRIP1-related disorders in the literature. This variant has not been identified in the general population by the Genome Aggregation Database (gnomAD). The available evidence is insufficient to determine the role of this variant in disease conclusively. Therefore, this variant is classified as a Variant of Uncertain Significance.

NM_032043.3(BRIP1):c.1085C>T (p.Ala362Val)

Gene: BRIP1 (BRCA1 interacting DNA helicase 1; minus strand). Cytogenetic location: 17q23.2.
Variant type: single nucleotide variant.
Coding change: c.1085C>T on transcript NM_032043.3 (MANE Select); coding-DNA position 1085, C replaced by T.
Protein change: p.Ala362Val; replaces alanine 362 with valine.
Molecular consequence: missense variant.
Genome position (GRCh38, 1-based): chr17:61,801,308, G>A on the plus strand (C>T on the coding strand, the complement: BRIP1 is on the minus strand). VCF-style: chr17-61801308-G-A. GRCh37 (hg19) VCF-style: chr17-59878669-G-A.
Other names: short protein forms A362V.
Identifiers: ClinVar variation 489804 (VCV000489804.6), dbSNP rs1555607683, ClinGen allele CA400483964.
Genomic context (GRCh38, chr17:61,801,308, plus strand): 5'-CTCACACTTTCCCTTATTTGTGCATCTAGAAGATAGTTGTAGGGACAAAATATGATGTCA[G>A]CATCTTGTATTAGTTCTCGGGCTGTGTAATATGGACAGGCCTTTAGTTTCTTCCCCAGGC-3'
Protein context (NP_114432.2, residues 352-372): YYTARELIQD[Ala362Val]DIIFCPYNYL